The following is an entry in ClinVar:

ClinVar aggregate classification (germline): Uncertain significance (1 of 4 stars; one submission).

Conditions:
SEMA3A-related disorder. Also called: SEMA3A-related condition.

gnomAD v4.1: 16 of 1,613,412 alleles (0.00099%); highest among the groups gnomAD compares: South Asian, 0.013%; no homozygotes.

Submission:

PreventionGenetics, part of Exact Sciences
Classification: Uncertain significance for SEMA3A-related condition. Last evaluated: 2025-10-26. Review status: criteria provided, single submitter. Criteria: ACMG Guidelines, 2015. Collection method: clinical testing. Allele origin: germline.
Comment: The SEMA3A c.140C>A variant is predicted to result in the amino acid substitution p.Thr47Asn. To our knowledge, this variant has not been reported in the literature. This variant is reported in 0.016% of alleles in individuals of South Asian descent in gnomAD. At this time, the clinical significance of this variant is uncertain due to the absence of conclusive functional and genetic evidence.

NM_006080.3(SEMA3A):c.140C>A (p.Thr47Asn)

Gene: SEMA3A (semaphorin 3A; minus strand). Cytogenetic location: 7q21.11.
Variant type: single nucleotide variant.
Coding change: c.140C>A on transcript NM_006080.3 (MANE Select); coding-DNA position 140, C replaced by A.
Protein change: p.Thr47Asn; replaces threonine 47 with asparagine.
Molecular consequence: missense variant.
Genome position (GRCh38, 1-based): chr7:84,134,924, G>T on the plus strand (C>A on the coding strand, the complement: SEMA3A is on the minus strand). VCF-style: chr7-84134924-G-T. GRCh37 (hg19) VCF-style: chr7-83764240-G-T.
Other names: short protein forms T47N.
Identifiers: ClinVar variation 4978379 (VCV004978379.1).